The following is an entry in ClinVar:

ClinVar aggregate classification (germline): Uncertain significance (1 of 4 stars; one submission).

Submission:

GeneDx
Classification: Uncertain significance. Last evaluated: 2025-03-23. Review status: criteria provided, single submitter. Criteria: GeneDx Variant Classification Process June 2021. Collection method: clinical testing. Allele origin: germline. Affected: yes.
Comment: Not observed at significant frequency in large population cohorts (gnomAD); In silico analysis supports that this missense variant has a deleterious effect on splicing; In silico analysis indicates that this missense variant does not alter protein structure/function; Has not been previously published as pathogenic or benign to our knowledge

NM_001128840.3(CACNA1D):c.2336G>A (p.Arg779Lys)

Gene: CACNA1D (calcium voltage-gated channel subunit alpha1 D; plus strand). Cytogenetic location: 3p21.1.
Variant type: single nucleotide variant.
Coding change: c.2336G>A on transcript NM_001128840.3 (MANE Select); coding-DNA position 2336, G replaced by A.
Protein change: p.Arg779Lys; replaces arginine 779 with lysine.
Molecular consequence: missense variant.
Genome position (GRCh38, 1-based): chr3:53,730,556, G>A. VCF-style: chr3-53730556-G-A. GRCh37 (hg19) VCF-style: chr3-53764583-G-A.
Other names: c.2396G>A, p.Arg799Lys (NM_000720.4); c.2336G>A, p.Arg779Lys (NM_001128839.3); short protein forms R799K, R779K.
Identifiers: ClinVar variation 4088161 (VCV004088161.1).
Genomic context (GRCh38, chr3:53,730,556, plus strand): 5'-AAAGTCTGAACACTGCTCAGAAAGAAGAAGCGGAAGAAAAGGAGAGGAAAAAGATTGCCA[G>A]GTAACCCTATTTTCCCCTGACGTGTTTGTCCAGGGGCTGTGTTGGGAGCCCTGCAACAGT-3'
Protein context (NP_001122312.1, residues 769-789): AEEKERKKIA[Arg779Lys]KESLENKKNN